The following is an entry in ClinVar:

ClinVar aggregate classification (germline): Uncertain significance (1 of 4 stars; one submission).

Conditions:
Hereditary cancer-predisposing syndrome. Also called: Neoplastic Syndromes, Hereditary; Tumor predisposition; Hereditary Cancer Syndrome; Hereditary neoplastic syndrome. Identifiers: Orphanet 140162, MedGen C0027672, MeSH D009386, MONDO:0015356.

Submission:

Ambry Genetics
Classification: Uncertain significance for Hereditary cancer-predisposing syndrome. Last evaluated: 2024-05-27. Review status: criteria provided, single submitter. Criteria: Ambry Variant Classification Scheme 2023. Collection method: clinical testing. Allele origin: germline.
Comment: The c.4069_4071delGCGinsCCA variant (also known as p.A1357P), located in coding exon 20 of the MET gene, results from an in-frame deletion of GCG and insertion of CCA at nucleotide positions 4069 to 4071. This results in the substitution of the alanine residue for a proline residue at codon 1357, an amino acid with highly similar properties. This amino acid position is not well conserved in available vertebrate species. In addition, this alteration is predicted to be neutral by in silico analysis (Choi Y et al. PLoS ONE. 2012; 7(10):e46688). Based on the available evidence, the clinical significance of this variant remains unclear.

NM_000245.4(MET):c.4015_4017delinsCCA (p.Ala1339Pro)

Gene: MET (MET proto-oncogene, receptor tyrosine kinase; plus strand). Cytogenetic location: 7q31.2.
Variant type: Indel.
Coding change: c.4015_4017delinsCCA on transcript NM_000245.4 (MANE Select); coding-DNA positions 4015 to 4017, GCG replaced by CCA.
Protein change: p.Ala1339Pro; replaces alanine 1339 with proline.
Molecular consequence: missense variant.
Genome position (GRCh38, 1-based): chr7:116,795,966-116,795,968, GCG replaced by CCA. VCF-style: chr7-116795966-GCG-CCA. GRCh37 (hg19) VCF-style: chr7-116436020-GCG-CCA.
Other names: c.4069_4071delinsCCA, p.Ala1357Pro (NM_001127500.3); c.2725_2727delinsCCA, p.Ala909Pro (NM_001324402.2); short protein forms A1339P, A1357P, A909P.
Identifiers: ClinVar variation 1737517 (VCV001737517.3), dbSNP rs2485874415, ClinGen allele CA2580076266.
Genomic context (GRCh38, chr7:116,795,966, plus strand): 5'-TGCTGGCACCCTAAAGCCGAAATGCGCCCATCCTTTTCTGAACTGGTGTCCCGGATATCA[GCG>CCA]ATCTTCTCTACTTTCATTGGGGAGCACTATGTCCATGTGAACGCTACTTATGTGAACGTA-3'
Protein context (NP_000236.2, residues 1329-1349): SFSELVSRIS[Ala1339Pro]IFSTFIGEHY